The following is an entry in ClinVar:

NM_002691.4(POLD1):c.185dup (p.Glu63fs)

Gene: POLD1 (DNA polymerase delta 1, catalytic subunit; plus strand). Cytogenetic location: 19q13.33.
Variant type: Duplication.
Coding change: c.185dup on transcript NM_002691.4 (MANE Select); coding-DNA position 185, one base duplicated (T; older notation c.185dupT).
Protein change: p.Glu63fs; shifts the reading frame from glutamic acid 63.
Molecular consequence: frameshift variant. On other transcripts: non-coding transcript variant (1).
Genome position (GRCh38, 1-based): chr19:50,399,036, T duplicated. VCF-style (leftmost placement, unchanged base first): chr19-50399035-C-CT. GRCh37 (hg19) VCF-style: chr19-50902292-C-CT.
Other names: c.185dup, p.Glu63fs (NM_001256849.1, NM_001308632.1, NM_001438210.1 and 3 more transcripts); short protein forms E63fs.
Identifiers: ClinVar variation 4862192 (VCV004862192.1).
Genomic context (GRCh38, chr19:50,399,035, plus strand): 5'-GAGGAGATGGAGGCAGAACACAGGCTGCAGGAGCAGGAGGAGGAGGAGCTGCAGTCAGTC[C>CT]TGGAGGGGGTTGCAGACGGTAAGGCTTGGAGTTGGAGGTTCCTGCTGCCCAACCCATTGC-3'

ClinVar aggregate classification (germline): Uncertain significance (1 of 4 stars; one submission).

Conditions:
Hereditary cancer-predisposing syndrome. Also called: Neoplastic Syndromes, Hereditary; Tumor predisposition; Hereditary Cancer Syndrome; Hereditary neoplastic syndrome. Identifiers: Orphanet 140162, MedGen C0027672, MeSH D009386, MONDO:0015356.

Submission:

Ambry Genetics
Classification: Uncertain significance for Hereditary cancer-predisposing syndrome. Last evaluated: 2026-05-05. Review status: criteria provided, single submitter. Criteria: Ambry Variant Classification Scheme 2023. Collection method: clinical testing. Allele origin: germline.
Comment: The c.185dupT variant, located in coding exon 1 of the POLD1 gene, results from a duplication of T at nucleotide position 185, causing a translational frameshift with a predicted alternate stop codon (p.E63Gfs*40). This variant is expected to result in protein truncation or nonsense-mediated mRNA decay. However, loss of function has not been established as a mechanism of disease. Based on the available evidence, the clinical significance of this variant remains unclear.